The following is an entry in ClinVar:

NM_024675.4(PALB2):c.2184C>T (p.Phe728=)

Gene: PALB2 (partner and localizer of BRCA2; minus strand). Cytogenetic location: 16p12.2.
Variant type: single nucleotide variant.
Coding change: c.2184C>T on transcript NM_024675.4 (MANE Select); coding-DNA position 2184, C replaced by T.
Protein change: p.Phe728=; no amino-acid change (phenylalanine 728 retained).
Molecular consequence: synonymous variant. On other transcripts: intron variant (1).
Genome position (GRCh38, 1-based): chr16:23,629,970, G>A on the plus strand (C>T on the coding strand, the complement: PALB2 is on the minus strand). VCF-style: chr16-23629970-G-A. GRCh37 (hg19) VCF-style: chr16-23641291-G-A.
Other names: c.2124C>T, p.Phe708= (NM_001407296.1); c.2184C>T, p.Phe728= (NM_001407297.1, NM_001407298.1, NM_001407299.1 and 3 more transcripts); c.1299C>T, p.Phe433= (NM_001407304.1, NM_001407305.1, NM_001407306.1 and 5 more transcripts); c.396C>T, p.Phe132= (NM_001407312.1, NM_001407313.1); c.49-695C>T (NM_001407314.1).
Identifiers: ClinVar variation 3903597 (VCV003903597.1).

ClinVar aggregate classification (germline): Benign (1 of 4 stars; one submission).

Conditions:
Familial cancer of breast. Also called: Hereditary breast cancer; hereditary breast carcinoma; BREAST CANCER, FAMILIAL. Identifiers: Orphanet 227535, MedGen C0346153, MONDO:0016419, OMIM 114480. Disease mechanism: loss of function.

Submission:

Myriad Genetics, Inc.
Classification: Benign for Familial cancer of breast. Last evaluated: 2025-01-15. Review status: criteria provided, single submitter. Criteria: Myriad Autosomal Dominant, Autosomal Recessive and X-Linked Classification Criteria (2023). Collection method: clinical testing. Allele origin: unknown.
Comment: This variant is considered benign. This variant is a silent/synonymous amino acid change and it is not expected to impact splicing.